The following is an entry in ClinVar:

ClinVar aggregate classification (germline): Uncertain significance. Review status: criteria provided, multiple submitters, no conflicts (2 of 4 stars). 2 submissions from 2 submitters: Uncertain significance (2). Last evaluated 2022-06-05.

Conditions:
Inborn genetic diseases. Identifiers: MedGen C0950123, MeSH D030342.

Allele frequency attached by ClinVar (database versions not stated): ExAC 0.00001; gnomAD 0.00001; gnomAD exomes below 0.00001.
gnomAD v4.1: 3 of 1,613,886 alleles (0.00019%); highest among the groups gnomAD compares: East Asian, 0.0022%; no homozygotes.

Submissions (2):

Labcorp Genetics (formerly Invitae), Labcorp
Classification: Uncertain significance. Last evaluated: 2022-06-05. Review status: criteria provided, single submitter. Criteria: Invitae Variant Classification Sherloc (09022015). Collection method: clinical testing. Allele origin: germline.
Comment: This sequence change replaces alanine, which is neutral and non-polar, with threonine, which is neutral and polar, at codon 226 of the ERCC2 protein (p.Ala226Thr). This variant is present in population databases (rs753696173, gnomAD 0.005%). This variant has not been reported in the literature in individuals affected with ERCC2-related conditions. ClinVar contains an entry for this variant (Variation ID: 1356720). Algorithms developed to predict the effect of missense changes on protein structure and function (SIFT, PolyPhen-2, Align-GVGD) all suggest that this variant is likely to be tolerated. In summary, the available evidence is currently insufficient to determine the role of this variant in disease. Therefore, it has been classified as a Variant of Uncertain Significance.

Ambry Genetics
Classification: Uncertain significance for Inborn genetic diseases. Last evaluated: 2022-02-08. Review status: criteria provided, single submitter. Criteria: Ambry Variant Classification Scheme 2023. Collection method: clinical testing. Allele origin: germline.
Comment: The p.A226T variant (also known as c.676G>A), located in coding exon 8 of the ERCC2 gene, results from a G to A substitution at nucleotide position 676. The alanine at codon 226 is replaced by threonine, an amino acid with similar properties. This amino acid position is conserved. In addition, this alteration is predicted to be tolerated by in silico analysis. Since supporting evidence is limited at this time, the clinical significance of this alteration remains unclear.

NM_000400.4(ERCC2):c.676G>A (p.Ala226Thr)

Gene: ERCC2 (ERCC excision repair 2, TFIIH core complex helicase subunit; minus strand). Cytogenetic location: 19q13.32.
Variant type: single nucleotide variant.
Coding change: c.676G>A on transcript NM_000400.4 (MANE Select); coding-DNA position 676, G replaced by A.
Protein change: p.Ala226Thr; replaces alanine 226 with threonine.
Molecular consequence: missense variant.
Genome position (GRCh38, 1-based): chr19:45,364,466, C>T on the plus strand (G>A on the coding strand, the complement: ERCC2 is on the minus strand). VCF-style: chr19-45364466-C-T. GRCh37 (hg19) VCF-style: chr19-45867724-C-T.
Other names: c.604G>A, p.Ala202Thr (NM_001130867.2); short protein forms A202T, A226T.
Identifiers: ClinVar variation 1356720 (VCV001356720.5), dbSNP rs753696173, ClinGen allele CA9513687.
Genomic context (GRCh38, chr19:45,364,466, plus strand): 5'-CCCTGGCGCCCCCCTCACCAATGTTGTGGGCCTCGTCGAAGACCACGACGGCCTTGCGGG[C>T]CAGTTCCTTGGACACCAGGTCTGCAATCTTGGGGTCCAGGAGGTAGTGGTAGCTATAAAC-3'
Protein context (NP_000391.1, residues 216-236): KIADLVSKEL[Ala226Thr]RKAVVVFDEA